The following is an entry in ClinVar:

ClinVar aggregate classification (germline): Uncertain significance (1 of 4 stars; one submission).

Allele frequency attached by ClinVar (database versions not stated): TOPMed below 0.00001.

Submission:

Labcorp Genetics (formerly Invitae), Labcorp
Classification: Uncertain significance. Last evaluated: 2025-04-21. Review status: criteria provided, single submitter. Criteria: Invitae Variant Classification Sherloc (09022015). Collection method: clinical testing. Allele origin: germline.
Comment: This sequence change replaces isoleucine, which is neutral and non-polar, with threonine, which is neutral and polar, at codon 961 of the ITPR1 protein (p.Ile961Thr). This variant is not present in population databases (gnomAD no frequency). This variant has not been reported in the literature in individuals affected with ITPR1-related conditions. ClinVar contains an entry for this variant (Variation ID: 2060306). Invitae Evidence Modeling of protein sequence and biophysical properties (such as structural, functional, and spatial information, amino acid conservation, physicochemical variation, residue mobility, and thermodynamic stability) indicates that this missense variant is expected to disrupt ITPR1 protein function with a positive predictive value of 80%. In summary, the available evidence is currently insufficient to determine the role of this variant in disease. Therefore, it has been classified as a Variant of Uncertain Significance.

NM_001378452.1(ITPR1):c.2954T>C (p.Ile985Thr)

Gene: ITPR1 (inositol 1,4,5-trisphosphate receptor type 1; plus strand). Cytogenetic location: 3p26.1.
Variant type: single nucleotide variant.
Coding change: c.2954T>C on transcript NM_001378452.1 (MANE Select); coding-DNA position 2954, T replaced by C.
Protein change: p.Ile985Thr; replaces isoleucine 985 with threonine.
Molecular consequence: missense variant.
Genome position (GRCh38, 1-based): chr3:4,676,788, T>C. VCF-style: chr3-4676788-T-C. GRCh37 (hg19) VCF-style: chr3-4718472-T-C.
Other names: c.2927T>C, p.Ile976Thr (NM_001099952.4); c.2909T>C, p.Ile970Thr (NM_001168272.2); c.2882T>C, p.Ile961Thr (NM_002222.7); short protein forms I961T, I970T, I976T, I985T.
Identifiers: ClinVar variation 2060306 (VCV002060306.4), dbSNP rs1012491864, ClinGen allele CA351649865.
Genomic context (GRCh38, chr3:4,676,788, plus strand): 5'-TGAAGCAGGCAGAGCCTGAGAAGGAGGACATCATGGTCATGGACACCAAGCTGAAGATCA[T>C]TGAGATACTCCAGGTATCCACTAGCTGGAGCTGGGGTAGGGAGGGTATGTCACAGAGGCG-3'
Protein context (NP_001365381.1, residues 975-995): IMVMDTKLKI[Ile985Thr]EILQFILNVR